The following is an entry in ClinVar:

ClinVar aggregate classification (germline): Pathogenic (1 of 4 stars; one submission).

Allele frequency attached by ClinVar (database versions not stated): TOPMed below 0.00001; gnomAD exomes 0.00001.
gnomAD v4.1: 3 of 1,613,956 alleles (0.00019%); highest among the groups gnomAD compares: Non-Finnish European, 0.00025%; no homozygotes.

Submission:

Labcorp Genetics (formerly Invitae), Labcorp
Classification: Pathogenic. Last evaluated: 2023-09-06. Review status: criteria provided, single submitter. Criteria: Invitae Variant Classification Sherloc (09022015). Collection method: clinical testing. Allele origin: germline.
Comment: For these reasons, this variant has been classified as Pathogenic. This variant has not been reported in the literature in individuals affected with PCARE-related conditions. This variant is not present in population databases (gnomAD no frequency). This sequence change creates a premature translational stop signal (p.Ser1138*) in the PCARE gene. It is expected to result in an absent or disrupted protein product. Loss-of-function variants in PCARE are known to be pathogenic (PMID: 20398886, 24339724, 26496393).

Literature cited by the submitters: PubMed 20398886; PubMed 24339724; PubMed 26496393.

NM_001029883.3(PCARE):c.3413C>G (p.Ser1138Ter)

Gene: PCARE (photoreceptor cilium actin regulator; minus strand). Cytogenetic location: 2p23.2.
Variant type: single nucleotide variant.
Coding change: c.3413C>G on transcript NM_001029883.3 (MANE Select); coding-DNA position 3413, C replaced by G.
Protein change: p.Ser1138Ter; replaces serine 1138 with a stop codon.
Molecular consequence: nonsense.
Genome position (GRCh38, 1-based): chr2:29,070,849, G>C on the plus strand (C>G on the coding strand, the complement: PCARE is on the minus strand). VCF-style: chr2-29070849-G-C. GRCh37 (hg19) VCF-style: chr2-29293715-G-C.
Other names: short protein forms S1138*.
Identifiers: ClinVar variation 2758612 (VCV002758612.3), dbSNP rs1400429454, ClinGen allele CA346474982.
Genomic context (GRCh38, chr2:29,070,849, plus strand): 5'-TTCCCGAGAGGGCCCCCAGCCTCTGGCGGCAGCGATGGTGGGGTCAGTGGGTGGGCTGTT[G>C]AGAGTGGCGGTTTAGCTTCAAACAGAGAGGAGGTAGCTGGGCAGAATATGGAATGTGTGT-3'